The following is an entry in ClinVar:

NM_003803.4(MYOM1):c.620A>G (p.Gln207Arg)

Gene: MYOM1 (myomesin 1; minus strand). Cytogenetic location: 18p11.31.
Variant type: single nucleotide variant.
Coding change: c.620A>G on transcript NM_003803.4 (MANE Select); coding-DNA position 620, A replaced by G.
Protein change: p.Gln207Arg; replaces glutamine 207 with arginine.
Molecular consequence: missense variant.
Genome position (GRCh38, 1-based): chr18:3,188,899, T>C on the plus strand (A>G on the coding strand, the complement: MYOM1 is on the minus strand). VCF-style: chr18-3188899-T-C. GRCh37 (hg19) VCF-style: chr18-3188897-T-C.
Other names: c.620A>G, p.Gln207Arg (NM_019856.2); short protein forms Q207R.
Identifiers: ClinVar variation 1466150 (VCV001466150.8), dbSNP rs1044246355, ClinGen allele CA295517600.
Genomic context (GRCh38, chr18:3,188,899, plus strand): 5'-GTGGCCTGTTTGGAAACCACAGACTGCCTGGATGCCGTGGACTGCCTGGATGCCGTGGAC[T>C]GCTTGGATGCTGTGGACTGCTTGGATGCCGTGGACTGCTTAGATGCCGTGGTCTGCTTGG-3'
Protein context (NP_003794.3, residues 197-217): TASKQSTASK[Gln207Arg]STASRQSTAS

ClinVar aggregate classification (germline): Uncertain significance (1 of 4 stars; one submission).

Conditions:
Hypertrophic cardiomyopathy. Also called: HYPERTROPHIC MYOCARDIOPATHY. Identifiers: Orphanet 217569, MedGen C0007194, MeSH D002312, MONDO:0005045, HP:0001639.

Submission:

Labcorp Genetics (formerly Invitae), Labcorp
Classification: Uncertain significance for Hypertrophic cardiomyopathy. Last evaluated: 2022-11-08. Review status: criteria provided, single submitter. Criteria: Invitae Variant Classification Sherloc (09022015). Collection method: clinical testing. Allele origin: germline.
Comment: ClinVar contains an entry for this variant (Variation ID: 1466150). In summary, the available evidence is currently insufficient to determine the role of this variant in disease. Therefore, it has been classified as a Variant of Uncertain Significance. Algorithms developed to predict the effect of missense changes on protein structure and function (SIFT, PolyPhen-2, Align-GVGD) all suggest that this variant is likely to be tolerated. This variant has not been reported in the literature in individuals affected with MYOM1-related conditions. This variant is not present in population databases (gnomAD no frequency). This sequence change replaces glutamine, which is neutral and polar, with arginine, which is basic and polar, at codon 207 of the MYOM1 protein (p.Gln207Arg).